The following is an entry in ClinVar:

NM_001170535.3(ATAD3A):c.24_26del (p.Asn8del)

Gene: ATAD3A (ATPase family AAA domain containing 3A; plus strand). Cytogenetic location: 1p36.33.
Variant type: Deletion.
Coding change: c.24_26del on transcript NM_001170535.3 (MANE Select); coding-DNA positions 24 to 26, 3 bases deleted (CAA; older notation c.24_26delCAA).
Protein change: p.Asn8del; deletes asparagine 8.
Molecular consequence: inframe deletion.
Genome position (GRCh38, 1-based): chr1:1,512,292-1,512,294, CAA deleted; deleting any 3 consecutive bases within chr1:1,512,290-1,512,294 gives the same sequence; the c. name uses the placement nearest the transcript's 3' end. VCF-style (leftmost placement, unchanged base first): chr1-1512289-TAAC-T. GRCh37 (hg19) VCF-style: chr1-1447669-TAAC-T.
Other names: c.24_26del, p.Asn8del (NM_018188.5); short protein forms N8del.
Identifiers: ClinVar variation 5017915 (VCV005017915.1).

ClinVar aggregate classification (germline): Uncertain significance (1 of 4 stars; one submission).

Submission:

GeneDx
Classification: Uncertain significance. Last evaluated: 2026-04-01. Review status: criteria provided, single submitter. Criteria: GeneDx Variant Classification Process June 2021. Collection method: clinical testing. Allele origin: germline.
Comment: Not observed at significant frequency in large population cohorts (gnomAD); In-frame deletion of 1 amino acid(s) in a non-repeat region; In silico analysis supports a deleterious effect on protein structure/function; Has not been previously published as pathogenic or benign to our knowledge